The following is an entry in ClinVar:

NM_182961.4(SYNE1):c.8912A>G (p.Gln2971Arg)

Genes: SYNE1 (spectrin repeat containing nuclear envelope protein 1; minus strand), SYNE1-AS1 (SYNE1 antisense RNA 1; plus strand). Cytogenetic location: 6q25.2.
Variant type: single nucleotide variant.
Coding change: c.8912A>G on transcript NM_182961.4 (MANE Select); coding-DNA position 8912, A replaced by G.
Protein change: p.Gln2971Arg; replaces glutamine 2971 with arginine.
Molecular consequence: missense variant. On other transcripts: non-coding transcript variant (1).
Genome position (GRCh38, 1-based): chr6:152,381,103, T>C on the plus strand (A>G on the coding strand, the complement: SYNE1 is on the minus strand). VCF-style: chr6-152381103-T-C. GRCh37 (hg19) VCF-style: chr6-152702238-T-C.
Other names: c.8933A>G, p.Gln2978Arg (NM_033071.5); short protein forms Q2971R, Q2978R.
Identifiers: ClinVar variation 4788782 (VCV004788782.1).

ClinVar aggregate classification (germline): Uncertain significance (1 of 4 stars; one submission).

Conditions:
Autosomal recessive ataxia, Beauce type. Also called: SYNE1-Related Autosomal Recessive Cerebellar Ataxia; Spinocerebellar ataxia, autosomal recessive 8; ATAXIA, RECESSIVE, OF BEAUCE; SYNE1 Deficiency. Identifiers: Orphanet 88644, MedGen C1853116, MONDO:0012549, OMIM 610743.
Emery-Dreifuss muscular dystrophy 4, autosomal dominant (EDMD4). Also called: EMERY-DREIFUSS MUSCULAR DYSTROPHY 4 WITH VARIABLE FEATURES. Identifiers: Orphanet 261, MedGen C2751807, MONDO:0013071, OMIM 612998.

gnomAD v4.1: 5 of 1,614,238 alleles (0.00031%); highest among the groups gnomAD compares: Non-Finnish European, 0.00017%; no homozygotes.

Submission:

Labcorp Genetics (formerly Invitae), Labcorp
Classification: Uncertain significance for Emery-Dreifuss muscular dystrophy 4, autosomal dominant; Autosomal recessive ataxia, Beauce type. Last evaluated: 2025-05-12. Review status: criteria provided, single submitter. Criteria: Invitae Variant Classification Sherloc (09022015). Collection method: clinical testing. Allele origin: germline.
Comment: This sequence change replaces glutamine, which is neutral and polar, with arginine, which is basic and polar, at codon 2978 of the SYNE1 protein (p.Gln2978Arg). This variant is not present in population databases (gnomAD no frequency). This variant has not been reported in the literature in individuals affected with SYNE1-related conditions. An algorithm developed to predict the effect of missense changes on protein structure and function (PolyPhen-2) suggests that this variant is likely to be tolerated. In summary, the available evidence is currently insufficient to determine the role of this variant in disease. Therefore, it has been classified as a Variant of Uncertain Significance.